The following is an entry in ClinVar:

ClinVar aggregate classification (germline): Uncertain significance (1 of 4 stars; one submission).

Conditions:
CHARGE syndrome (CHARGE). Also called: Hittner Hirsch Kreh syndrome; CHARGE ASSOCIATION--COLOBOMA, HEART ANOMALY, CHOANAL ATRESIA, RETARDATION, GENITAL AND EAR ANOMALIES; Coloboma, heart anomaly, choanal atresia, retardation, genital and ear anomalies; CHARGE association; Hall-Hittner syndrome. Identifiers: Orphanet 138, MedGen C0265354, MONDO:0008965.

gnomAD v4.1: 1 of 1,613,992 alleles (0.000062%); highest among the groups gnomAD compares: Admixed American, 0.0017%; no homozygotes.

Submission:

Labcorp Genetics (formerly Invitae), Labcorp
Classification: Uncertain significance for CHARGE syndrome. Last evaluated: 2025-07-14. Review status: criteria provided, single submitter. Criteria: Invitae Variant Classification Sherloc (09022015). Collection method: clinical testing. Allele origin: germline.
Comment: This sequence change replaces alanine, which is neutral and non-polar, with threonine, which is neutral and polar, at codon 2415 of the CHD7 protein (p.Ala2415Thr). This variant is not present in population databases (gnomAD no frequency). This variant has not been reported in the literature in individuals affected with CHD7-related conditions. Invitae Evidence Modeling of protein sequence and biophysical properties (such as structural, functional, and spatial information, amino acid conservation, physicochemical variation, residue mobility, and thermodynamic stability) indicates that this missense variant is not expected to disrupt CHD7 protein function with a negative predictive value of 95%. In summary, the available evidence is currently insufficient to determine the role of this variant in disease. Therefore, it has been classified as a Variant of Uncertain Significance.

NM_017780.4(CHD7):c.7243G>A (p.Ala2415Thr)

Gene: CHD7 (chromodomain helicase DNA binding protein 7; plus strand). Cytogenetic location: 8q12.2.
Variant type: single nucleotide variant.
Coding change: c.7243G>A on transcript NM_017780.4 (MANE Select); coding-DNA position 7243, G replaced by A.
Protein change: p.Ala2415Thr; replaces alanine 2415 with threonine.
Molecular consequence: missense variant. On other transcripts: intron variant (1).
Genome position (GRCh38, 1-based): chr8:60,856,523, G>A. VCF-style: chr8-60856523-G-A. GRCh37 (hg19) VCF-style: chr8-61769082-G-A.
Other names: c.1717-5706G>A (NM_001316690.1); short protein forms A2415T.
Identifiers: ClinVar variation 4690909 (VCV004690909.1).